The following is an entry in ClinVar:

NM_003793.4(CTSF):c.1069T>C (p.Tyr357His)

Gene: CTSF (cathepsin F; minus strand). Cytogenetic location: 11q13.2.
Variant type: single nucleotide variant.
Coding change: c.1069T>C on transcript NM_003793.4 (MANE Select); coding-DNA position 1069, T replaced by C.
Protein change: p.Tyr357His; replaces tyrosine 357 with histidine.
Molecular consequence: missense variant.
Genome position (GRCh38, 1-based): chr11:66,564,983, A>G on the plus strand (T>C on the coding strand, the complement: CTSF is on the minus strand). VCF-style: chr11-66564983-A-G. GRCh37 (hg19) VCF-style: chr11-66332454-A-G.
Other names: short protein forms Y357H.
Identifiers: ClinVar variation 2430253 (VCV002430253.5), dbSNP rs746404498, ClinGen allele CA6125320.
Genomic context (GRCh38, chr11:66,564,983, plus strand): 5'-TGTAGACCTTGGCCTTCTCTGCTGAGAAGTTGCAGGACTGCATGTGACCCTGGTAGCTGT[A>G]GTCATCCTCTGTCTCCAGCCCTCCTGGGGAACGGTGGGGGTGAGTAGAGAAGGGCAGGCT-3'
Protein context (NP_003784.2, residues 347-367): NLGGLETEDD[Tyr357His]SYQGHMQSCN

ClinVar aggregate classification (germline): Uncertain significance. Review status: criteria provided, multiple submitters, no conflicts (2 of 4 stars). 2 submissions from 2 submitters: Uncertain significance (2). Last evaluated 2026-03-01.

Conditions:
Neuronal ceroid lipofuscinosis 13 (CLN13). Also called: CEROID LIPOFUSCINOSIS, NEURONAL, 13 (KUFS TYPE); CLN13 Disease. Identifiers: Orphanet 352709, Orphanet 79262, MedGen C3715049, MONDO:0014147, OMIM 615362.

Allele frequency attached by ClinVar (database versions not stated): ExAC 0.00001; gnomAD exomes 0.00001.
gnomAD v4.1: 4 of 1,578,822 alleles (0.00025%); highest among the groups gnomAD compares: Non-Finnish European, 0.00035%; no homozygotes.

Submissions (2):

CeGaT Center for Human Genetics Tuebingen
Classification: Uncertain significance. Last evaluated: 2026-03-01. Review status: criteria provided, single submitter. Criteria: CeGaT Center For Human Genetics Tuebingen Variant Classification Criteria Version 2. Collection method: clinical testing. Allele origin: germline. Affected: yes. Observed: 1 variant allele.
Comment: CTSF: PM2, PP2

Institute of Human Genetics, University of Leipzig Medical Center
Classification: Uncertain significance for Neuronal ceroid lipofuscinosis 13. Last evaluated: 2023-01-03. Review status: criteria provided, single submitter. Criteria: ACMG Guidelines, 2015. Collection method: clinical testing. Allele origin: paternal. Affected: yes.
Comment: This variant was identified as compound heterozygous with NM_003793.4:c.1399C>T._x000D_ Criteria applied: PM2_SUP, PP3